The following is an entry in ClinVar:

ClinVar aggregate classification (germline): Uncertain significance (1 of 4 stars; one submission).

Conditions:
Nemaline myopathy 2 (NEM2). Also called: Nemaline myopathy 2, autosomal recessive. Identifiers: MedGen C1850569, MONDO:0009725, OMIM 256030.

Submission:

Labcorp Genetics (formerly Invitae), Labcorp
Classification: Uncertain significance for Nemaline myopathy 2. Last evaluated: 2021-03-28. Review status: criteria provided, single submitter. Criteria: Invitae Variant Classification Sherloc (09022015). Collection method: clinical testing. Allele origin: germline.
Comment: This sequence change replaces asparagine with lysine at codon 7685 of the NEB protein (p.Asn7685Lys). The asparagine residue is moderately conserved and there is a moderate physicochemical difference between asparagine and lysine. This variant has not been reported in the literature in individuals with NEB-related conditions. Algorithms developed to predict the effect of missense changes on protein structure and function are either unavailable or do not agree on the potential impact of this missense change (SIFT: "Deleterious"; PolyPhen-2: "Not Available"; Align-GVGD: "Class C0"). In summary, the available evidence is currently insufficient to determine the role of this variant in disease. Therefore, it has been classified as a Variant of Uncertain Significance. This variant is not present in population databases (ExAC no frequency).

NM_001164508.2(NEB):c.22950C>G (p.Asn7650Lys)

Genes: NEB (nebulin; minus strand), RIF1 (replication timing regulatory factor 1; plus strand). Cytogenetic location: 2q23.3.
Variant type: single nucleotide variant.
Coding change: c.22950C>G on transcript NM_001164508.2 (MANE Select); coding-DNA position 22950, C replaced by G.
Protein change: p.Asn7650Lys; replaces asparagine 7650 with lysine.
Molecular consequence: missense variant.
Genome position (GRCh38, 1-based): chr2:151,514,884, G>C on the plus strand (C>G on the coding strand, the complement: NEB is on the minus strand). VCF-style: chr2-151514884-G-C. GRCh37 (hg19) VCF-style: chr2-152371398-G-C.
Other names: c.22950C>G, p.Asn7650Lys (NM_001164507.2); c.23055C>G, p.Asn7685Lys (NM_001271208.2); c.17847C>G, p.Asn5949Lys (NM_004543.5); short protein forms N7685K, N5949K, N7650K.
Identifiers: ClinVar variation 1521044 (VCV001521044.8), dbSNP rs2153320948, ClinGen allele CA348754480.